The following is an entry in ClinVar:

NM_004304.5(ALK):c.1669C>T (p.Arg557Cys)

Gene: ALK (ALK receptor tyrosine kinase; minus strand). Cytogenetic location: 2p23.2.
Variant type: single nucleotide variant.
Coding change: c.1669C>T on transcript NM_004304.5 (MANE Select); coding-DNA position 1669, C replaced by T.
Protein change: p.Arg557Cys; replaces arginine 557 with cysteine.
Molecular consequence: missense variant.
Genome position (GRCh38, 1-based): chr2:29,297,036, G>A on the plus strand (C>T on the coding strand, the complement: ALK is on the minus strand). VCF-style: chr2-29297036-G-A. GRCh37 (hg19) VCF-style: chr2-29519902-G-A.
Other names: c.1669C>T (NM_004304.4); short protein forms R557C.
Identifiers: ClinVar variation 1024948 (VCV001024948.9), dbSNP rs200364883, ClinGen allele CA1594561.

ClinVar aggregate classification (germline): Conflicting classifications of pathogenicity. Review status: criteria provided, conflicting classifications (1 of 4 stars). 2 submissions from 2 submitters: Uncertain significance (1); Likely benign (1). Last evaluated 2025-12-09.

Conditions:
Hereditary cancer-predisposing syndrome. Also called: Hereditary neoplastic syndrome; Neoplastic Syndromes, Hereditary; Tumor predisposition; Hereditary Cancer Syndrome. Identifiers: Orphanet 140162, MedGen C0027672, MeSH D009386, MONDO:0015356.
Neuroblastoma, susceptibility to, 3. Also called: ALK-Related Neuroblastic Tumor Susceptibility. Identifiers: Orphanet 635, MedGen C2751681, MONDO:0013083, OMIM 613014.

Allele frequency attached by ClinVar (database versions not stated): gnomAD 0.00001; gnomAD exomes 0.00001; TOPMed 0.00002.
gnomAD v4.1: 17 of 1,614,026 alleles (0.0011%); highest among the groups gnomAD compares: South Asian, 0.0055%; no homozygotes.

Submissions (2):

Labcorp Genetics (formerly Invitae), Labcorp
Classification: Uncertain significance for Neuroblastoma, susceptibility to, 3. Last evaluated: 2025-12-09. Review status: criteria provided, single submitter. Criteria: Invitae Variant Classification Sherloc (09022015). Collection method: clinical testing. Allele origin: germline.
Comment: This sequence change replaces arginine, which is basic and polar, with cysteine, which is neutral and slightly polar, at codon 557 of the ALK protein (p.Arg557Cys). This variant is present in population databases (rs200364883, gnomAD 0.003%). This variant has not been reported in the literature in individuals affected with ALK-related conditions. ClinVar contains an entry for this variant (Variation ID: 1024948). An algorithm developed to predict the effect of missense changes on protein structure and function (PolyPhen-2) suggests that this variant is likely to be disruptive. In summary, the available evidence is currently insufficient to determine the role of this variant in disease. Therefore, it has been classified as a Variant of Uncertain Significance.

Ambry Genetics
Classification: Likely benign for Hereditary cancer-predisposing syndrome. Last evaluated: 2024-12-13. Review status: criteria provided, single submitter. Criteria: Ambry Variant Classification Scheme 2023. Collection method: clinical testing. Allele origin: germline.